The following is an entry in ClinVar:

NM_007325.5(GRIA3):c.2452G>A (p.Ala818Thr)

Gene: GRIA3 (glutamate ionotropic receptor AMPA type subunit 3; plus strand). Cytogenetic location: Xq25.
Variant type: single nucleotide variant.
Coding change: c.2452G>A on transcript NM_007325.5 (MANE Select); coding-DNA position 2452, G replaced by A.
Protein change: p.Ala818Thr; replaces alanine 818 with threonine.
Molecular consequence: missense variant.
Genome position (GRCh38, 1-based): chrX:123,482,811, G>A. VCF-style: chrX-123482811-G-A. GRCh37 (hg19) VCF-style: chrX-122616662-G-A.
Other names: c.2452G>A, p.Ala818Thr (NM_000828.5); short protein forms A818T.
Identifiers: ClinVar variation 451196 (VCV000451196.8), dbSNP rs767370756, ClinGen allele CA10507191.

ClinVar aggregate classification (germline): Conflicting classifications of pathogenicity. Review status: criteria provided, conflicting classifications (1 of 4 stars). 2 submissions from 2 submitters: Likely pathogenic (1); Uncertain significance (1). Last evaluated 2024-07-15.

Allele frequency attached by ClinVar (database versions not stated): ExAC below 0.00001.

Submissions (2):

GeneDx
Classification: Likely pathogenic. Last evaluated: 2024-07-15. Review status: criteria provided, single submitter. Criteria: GeneDx Variant Classification Process June 2021. Collection method: clinical testing. Allele origin: germline. Affected: yes.
Comment: In vitro functional study demonstrates that this variant is associated with increased glutamate and kainate potencies and decreased cell surface expression (PMID: 37921875); Not observed at significant frequency in large population cohorts (gnomAD); In silico analysis indicates that this missense variant does not alter protein structure/function; This variant is associated with the following publications: (PMID: 37921875)

Labcorp Genetics (formerly Invitae), Labcorp
Classification: Uncertain significance. Last evaluated: 2023-11-28. Review status: criteria provided, single submitter. Criteria: Invitae Variant Classification Sherloc (09022015). Collection method: clinical testing. Allele origin: germline.
Comment: This sequence change replaces alanine, which is neutral and non-polar, with threonine, which is neutral and polar, at codon 818 of the GRIA3 protein (p.Ala818Thr). This variant is not present in population databases (gnomAD no frequency). This variant has not been reported in the literature in individuals affected with GRIA3-related conditions. ClinVar contains an entry for this variant (Variation ID: 451196). Advanced modeling of protein sequence and biophysical properties (such as structural, functional, and spatial information, amino acid conservation, physicochemical variation, residue mobility, and thermodynamic stability) performed at Invitae indicates that this missense variant is not expected to disrupt GRIA3 protein function with a negative predictive value of 80%. In summary, the available evidence is currently insufficient to determine the role of this variant in disease. Therefore, it has been classified as a Variant of Uncertain Significance.